The following is an entry in ClinVar:

ClinVar aggregate classification (germline): Pathogenic. Review status: criteria provided, multiple submitters, no conflicts (2 of 4 stars). 5 submissions from 5 submitters: Pathogenic (5). Last evaluated 2025-12-28.

Conditions:
Medium-chain acyl-coenzyme A dehydrogenase deficiency (ACADMD). Also called: MCAD Deficiency; ACADM DEFICIENCY; MCADD; Medium chain acyl-CoA dehydrogenase deficiency; CARNITINE DEFICIENCY SECONDARY TO MEDIUM-CHAIN ACYL-CoA DEHYDROGENASE DEFICIENCY; MCADH DEFICIENCY. Identifiers: Orphanet 42, MedGen C0220710, MONDO:0008721, OMIM 201450.

Allele frequency attached by ClinVar (database versions not stated): gnomAD exomes below 0.00001; ExAC 0.00001.

Submissions (5):

Labcorp Genetics (formerly Invitae), Labcorp
Classification: Pathogenic for Medium-chain acyl-coenzyme A dehydrogenase deficiency. Last evaluated: 2025-12-28. Review status: criteria provided, single submitter. Criteria: Invitae Variant Classification Sherloc (09022015). Collection method: clinical testing. Allele origin: germline.
Comment: This sequence change creates a premature translational stop signal (p.Tyr397Leufs*5) in the ACADM gene. While this is not anticipated to result in nonsense mediated decay, it is expected to disrupt the last 25 amino acid(s) of the ACADM protein. This variant is present in population databases (rs770378052, gnomAD 0.007%). This premature translational stop signal has been observed in individual(s) with MCAD deficiency (PMID: 9158144; internal data). In at least one individual the data is consistent with being in trans (on the opposite chromosome) from a pathogenic variant. ClinVar contains an entry for this variant (Variation ID: 226109). For these reasons, this variant has been classified as Pathogenic.

GeneDx
Classification: Pathogenic. Last evaluated: 2025-11-10. Review status: criteria provided, single submitter. Criteria: GeneDx Variant Classification Process June 2021. Collection method: clinical testing. Allele origin: germline. Affected: yes.
Comment: Frameshift variant predicted to result in abnormal protein length as the last 25 amino acids are replaced with 4 different amino acids, and other similar variants have been reported in HGMD; Not observed at significant frequency in large population cohorts (gnomAD); Also known as p.Y362LfsX5; This variant is associated with the following publications: (PMID: 9158144)

Natera, Inc.
Classification: Pathogenic for Medium Chain Acyl-CoA Dehydrogenase Deficiency. Last evaluated: 2025-07-21. Review status: criteria provided, single submitter. Criteria: Natera Variant Classification Schema (03/2026). Collection method: clinical testing. Allele origin: germline.
Comment: The c.1189dupT variant in ACADM is a frameshift variant predicted to shift the reading frame beginning at codon 397 and leads to a stop codon 5 codons downstream. This variant is expected to result in nonsense mediated decay, truncation, or a dysfunctional protein product. This variant is rare in the general population with a frequency below the threshold expected for the associated phenotype(s). This variant has been observed in one or more individuals affected with the associated recessive disease, as either homozygous or compound heterozygous with a second variant (PMID: 9158144, 23842438). Given the available evidence, this variant is classified as Pathogenic.

Baylor Genetics
Classification: Pathogenic for Medium-chain acyl-coenzyme A dehydrogenase deficiency. Last evaluated: 2024-02-14. Review status: criteria provided, single submitter. Criteria: ACMG Guidelines, 2015. Collection method: clinical testing. Allele origin: unknown.

Women's Health and Genetics/Laboratory Corporation of America, LabCorp
Classification: Pathogenic for Medium-chain acyl-coenzyme A dehydrogenase deficiency. Last evaluated: 2022-12-09. Review status: criteria provided, single submitter. Criteria: LabCorp Variant Classification Summary - May 2015. Collection method: clinical testing. Allele origin: germline.
Comment: Variant summary: ACADM c.1189dupT (p.Tyr397LeufsX5) results in a premature termination codon, predicted to cause a truncation of the encoded protein which disrupts the last 25 amino acids, and includes part of the C-terminal domain (IPR009075). At least one other frameshift variant downstream of this position has been classified as pathogenic in ClinVar (Variation ID: 226069). The variant allele was found at a frequency of 4e-06 in 250084 control chromosomes (gnomAD). c.1189dupT has been reported in the literature in the compound heterozygous state together with the common pathogenic variant, c.985A>G, in at least two individuals affected with Medium Chain Acyl-CoA Dehydrogenase Deficiency (e.g. Andersen_1997, Couce_2013, Ventura_2014). These data indicate that the variant is likely associated with disease. To our knowledge, no experimental evidence demonstrating an impact on protein function has been reported. Two clinical diagnostic laboratories have submitted clinical-significance assessments for this variant to ClinVar after 2014 without evidence for independent evaluation. Both classified the variant as pathogenic. Based on the evidence outlined above, the variant was classified as pathogenic.

Literature cited by the submitters: PubMed 9158144 (cited by 3 submitters); PubMed 23842438 (cited by Natera, Inc. and Women's Health and Genetics/Laboratory Corporation of America, LabCorp); PubMed 23829193 (cited by Women's Health and Genetics/Laboratory Corporation of America, LabCorp).

NM_000016.6(ACADM):c.1189dup (p.Tyr397fs)

Gene: ACADM (acyl-CoA dehydrogenase medium chain; plus strand). Cytogenetic location: 1p31.1.
Variant type: Duplication.
Coding change: c.1189dup on transcript NM_000016.6 (MANE Select); coding-DNA position 1189, one base duplicated (T; older notation c.1189dupT).
Protein change: p.Tyr397fs; shifts the reading frame from tyrosine 397.
Molecular consequence: frameshift variant.
Genome position (GRCh38, 1-based): chr1:75,761,365, T duplicated. VCF-style (leftmost placement, unchanged base first): chr1-75761364-C-CT. GRCh37 (hg19) VCF-style: chr1-76227049-C-CT.
Other names: c.1201dup, p.Tyr401fs (NM_001127328.3); c.1081dup, p.Tyr361fs (NM_001286042.2); c.1288dup, p.Tyr430fs (NM_001286043.2); c.622dup, p.Tyr208fs (NM_001286044.2); c.1189dup (NM_000016.4); c.1189dupT (NM_000016.5); short protein forms Y361fs, Y401fs, Y208fs, Y397fs, Y430fs.
Identifiers: ClinVar variation 226109 (VCV000226109.22), dbSNP rs875989877, ClinGen allele CA913286.